The following is an entry in ClinVar:

ClinVar aggregate classification (germline): Conflicting classifications of pathogenicity. Review status: criteria provided, conflicting classifications (1 of 4 stars). 2 submissions from 2 submitters: Likely pathogenic (1); Uncertain significance (1). Last evaluated 2024-06-24.

Conditions:
ABCA4-related disorder. Also called: ABCA4-related condition; ABCA4-related disorders. Identifiers: MedGen CN239167.

Submissions (2):

Labcorp Genetics (formerly Invitae), Labcorp
Classification: Uncertain significance. Last evaluated: 2024-06-24. Review status: criteria provided, single submitter. Criteria: Invitae Variant Classification Sherloc (09022015). Collection method: clinical testing. Allele origin: germline.
Comment: This sequence change replaces glycine, which is neutral and non-polar, with glutamic acid, which is acidic and polar, at codon 150 of the ABCA4 protein (p.Gly150Glu). This variant is not present in population databases (gnomAD no frequency). This variant has not been reported in the literature in individuals affected with ABCA4-related conditions. Advanced modeling of protein sequence and biophysical properties (such as structural, functional, and spatial information, amino acid conservation, physicochemical variation, residue mobility, and thermodynamic stability) performed at Invitae indicates that this missense variant is expected to disrupt ABCA4 protein function with a positive predictive value of 80%. In summary, the available evidence is currently insufficient to determine the role of this variant in disease. Therefore, it has been classified as a Variant of Uncertain Significance.

Blueprint Genetics
Classification: Likely pathogenic for ABCA4-related disorders. Last evaluated: 2021-12-27. Review status: criteria provided, single submitter. Criteria: ACMG Guidelines, 2015. Collection method: clinical testing. Allele origin: germline. Affected: yes. Observed: 2 variant alleles.

NM_000350.3(ABCA4):c.449G>A (p.Gly150Glu)

Gene: ABCA4 (ATP binding cassette subfamily A member 4; minus strand). Cytogenetic location: 1p22.1.
Variant type: single nucleotide variant.
Coding change: c.449G>A on transcript NM_000350.3 (MANE Select); coding-DNA position 449, G replaced by A.
Protein change: p.Gly150Glu; replaces glycine 150 with glutamic acid.
Molecular consequence: missense variant.
Genome position (GRCh38, 1-based): chr1:94,103,136, C>T on the plus strand (G>A on the coding strand, the complement: ABCA4 is on the minus strand). VCF-style: chr1-94103136-C-T. GRCh37 (hg19) VCF-style: chr1-94568692-C-T.
Other names: c.449G>A, p.Gly150Glu (NM_001425324.1); short protein forms G150E.
Identifiers: ClinVar variation 3657647 (VCV003657647.3).